The following is an entry in ClinVar:

ClinVar aggregate classification (germline): Uncertain significance (1 of 4 stars; one submission).

Conditions:
BRD4-related disorder. Also called: BRD4-related condition.

Submission:

PreventionGenetics, part of Exact Sciences
Classification: Uncertain significance for BRD4-related condition. Last evaluated: 2024-10-09. Review status: criteria provided, single submitter. Criteria: ACMG Guidelines, 2015. Collection method: clinical testing. Allele origin: germline.
Comment: The BRD4 c.3528C>A variant is predicted to result in the amino acid substitution p.Asp1176Glu. To our knowledge, this variant has not been reported in the literature or in a large population database (gnomAD), indicating this variant is rare. At this time, the clinical significance of this variant is uncertain due to the absence of conclusive functional and genetic evidence.

NM_001379291.1(BRD4):c.3528C>A (p.Asp1176Glu)

Gene: BRD4 (bromodomain containing 4; minus strand). Cytogenetic location: 19p13.12.
Variant type: single nucleotide variant.
Coding change: c.3528C>A on transcript NM_001379291.1 (MANE Select); coding-DNA position 3528, C replaced by A.
Protein change: p.Asp1176Glu; replaces aspartic acid 1176 with glutamic acid.
Molecular consequence: missense variant.
Genome position (GRCh38, 1-based): chr19:15,239,440, G>T on the plus strand (C>A on the coding strand, the complement: BRD4 is on the minus strand). VCF-style: chr19-15239440-G-T. GRCh37 (hg19) VCF-style: chr19-15350251-G-T.
Other names: c.3528C>A, p.Asp1176Glu (NM_058243.3); short protein forms D1176E.
Identifiers: ClinVar variation 5002539 (VCV005002539.1).
Genomic context (GRCh38, chr19:15,239,440, plus strand): 5'-CTCCATCCCAACCTTTTTGGGCGCAACTGGAGTCTTCGGCTCCTGTTTCTGTTTGTCCTT[G>T]TCAGGGGCCCCTGGTGGCGGTGCGTTCTGCTCTGGGGGCCGGATCACAGGCCTCCCGACA-3'
Protein context (NP_001366220.1, residues 1166-1186): EQNAPPPGAP[Asp1176Glu]KDKQKQEPKT